The following is an entry in ClinVar:

ClinVar aggregate classification (germline): Uncertain significance (1 of 4 stars; one submission).

Conditions:
Inborn genetic diseases. Identifiers: MedGen C0950123, MeSH D030342.

Submission:

Ambry Genetics
Classification: Uncertain significance for Inborn genetic diseases. Last evaluated: 2022-10-22. Review status: criteria provided, single submitter. Criteria: Ambry Variant Classification Scheme 2023. Collection method: clinical testing. Allele origin: germline.
Comment: The p.E304K variant (also known as c.910G>A), located in coding exon 8 of the LRRK2 gene, results from a G to A substitution at nucleotide position 910. The glutamic acid at codon 304 is replaced by lysine, an amino acid with similar properties. This amino acid position is conserved. In addition, this alteration is predicted to be tolerated by in silico analysis. Since supporting evidence is limited at this time, the clinical significance of this alteration remains unclear.

NM_198578.4(LRRK2):c.910G>A (p.Glu304Lys)

Gene: LRRK2 (leucine rich repeat kinase 2; plus strand). Cytogenetic location: 12q12.
Variant type: single nucleotide variant.
Coding change: c.910G>A on transcript NM_198578.4 (MANE Select); coding-DNA position 910, G replaced by A.
Protein change: p.Glu304Lys; replaces glutamic acid 304 with lysine.
Molecular consequence: missense variant.
Genome position (GRCh38, 1-based): chr12:40,249,897, G>A. VCF-style: chr12-40249897-G-A. GRCh37 (hg19) VCF-style: chr12-40643699-G-A.
Other names: short protein forms E304K.
Identifiers: ClinVar variation 1765841 (VCV001765841.2), dbSNP rs1565679695, ClinGen allele CA384407167.